The following is an entry in ClinVar:

ClinVar aggregate classification (germline): Pathogenic (1 of 4 stars; one submission).

Allele frequency attached by ClinVar (database versions not stated): TOPMed below 0.00001; gnomAD 0.00001.
gnomAD v4.1: 4 of 1,574,236 alleles (0.00025%); highest among the groups gnomAD compares: South Asian, 0.0011%; no homozygotes.

Submission:

Labcorp Genetics (formerly Invitae), Labcorp
Classification: Pathogenic. Last evaluated: 2022-10-08. Review status: criteria provided, single submitter. Criteria: Invitae Variant Classification Sherloc (09022015). Collection method: clinical testing. Allele origin: germline.
Comment: This variant has not been reported in the literature in individuals affected with TONSL-related conditions. For these reasons, this variant has been classified as Pathogenic. This variant is not present in population databases (gnomAD no frequency). This sequence change creates a premature translational stop signal (p.Tyr792*) in the TONSL gene. It is expected to result in an absent or disrupted protein product. Loss-of-function variants in TONSL are known to be pathogenic (PMID: 30773277).

Literature cited by the submitters: PubMed 30773277.

NM_013432.5(TONSL):c.2376C>G (p.Tyr792Ter)

Genes: TONSL (tonsoku like, DNA repair protein; minus strand), TONSL-AS1 (TONSL antisense RNA 1; plus strand). Cytogenetic location: 8q24.3.
Variant type: single nucleotide variant.
Coding change: c.2376C>G on transcript NM_013432.5 (MANE Select); coding-DNA position 2376, C replaced by G.
Protein change: p.Tyr792Ter; replaces tyrosine 792 with a stop codon.
Molecular consequence: nonsense.
Genome position (GRCh38, 1-based): chr8:144,436,057, G>C on the plus strand (C>G on the coding strand, the complement: TONSL is on the minus strand). VCF-style: chr8-144436057-G-C. GRCh37 (hg19) VCF-style: chr8-145661440-G-C.
Other names: short protein forms Y792*.
Identifiers: ClinVar variation 2021891 (VCV002021891.4), dbSNP rs1275150702, ClinGen allele CA372655605.